The following is an entry in ClinVar:

ClinVar aggregate classification (germline): Uncertain significance (1 of 4 stars; one submission).

Conditions:
SEMA3B-related disorder. Also called: SEMA3B-related condition.

Submission:

PreventionGenetics, part of Exact Sciences
Classification: Uncertain significance for SEMA3B-related condition. Last evaluated: 2026-01-02. Review status: criteria provided, single submitter. Criteria: ACMG Guidelines, 2015. Collection method: clinical testing. Allele origin: germline.
Comment: The SEMA3B c.1891G>T variant is predicted to result in the amino acid substitution p.Ala631Ser. To our knowledge, this variant has not been reported in the literature or in a large population database (gnomAD), indicating this variant is rare. At this time, the clinical significance of this variant is uncertain due to the absence of conclusive functional and genetic evidence.

NM_001290060.2(SEMA3B):c.1876G>T (p.Ala626Ser)

Gene: SEMA3B (semaphorin 3B; plus strand). Cytogenetic location: 3p21.31.
Variant type: single nucleotide variant.
Coding change: c.1876G>T on transcript NM_001290060.2 (MANE Select); coding-DNA position 1876, G replaced by T.
Protein change: p.Ala626Ser; replaces alanine 626 with serine.
Molecular consequence: missense variant. On other transcripts: non-coding transcript variant (1).
Genome position (GRCh38, 1-based): chr3:50,276,332, G>T. VCF-style: chr3-50276332-G-T. GRCh37 (hg19) VCF-style: chr3-50313763-G-T.
Other names: c.1873G>T, p.Ala625Ser (NM_001005914.3, NM_001435957.1, NM_001435958.1); c.1891G>T, p.Ala631Ser (NM_001290061.1); c.847G>T, p.Ala283Ser (NM_001290062.2, NM_001290063.2); c.1876G>T, p.Ala626Ser (NM_001435956.1, NM_004636.4); short protein forms A631S, A283S, A625S, A626S.
Identifiers: ClinVar variation 4993646 (VCV004993646.1).
Genomic context (GRCh38, chr3:50,276,332, plus strand): 5'-CCCCCGCCTCACGCTGCCCTCTGCCCGCAGGTGCTGGCAGAGGAGCGCACCGAGCGCACC[G>T]CCCGGGGACTACTGCTGCGCAGGCTGCGGCGCCGGGACTCGGGCGTGTACTTGTGCGCCG-3'
Protein context (NP_001276989.1, residues 616-636): VLAEERTERT[Ala626Ser]RGLLLRRLRR